The following is an entry in ClinVar:

NM_007194.4(CHEK2):c.1316A>C (p.Gln439Pro)

Gene: CHEK2 (checkpoint kinase 2; minus strand). Cytogenetic location: 22q12.1.
Variant type: single nucleotide variant.
Coding change: c.1316A>C on transcript NM_007194.4 (MANE Select); coding-DNA position 1316, A replaced by C.
Protein change: p.Gln439Pro; replaces glutamine 439 with proline.
Molecular consequence: missense variant.
Genome position (GRCh38, 1-based): chr22:28,695,186, T>G on the plus strand (A>C on the coding strand, the complement: CHEK2 is on the minus strand). VCF-style: chr22-28695186-T-G. GRCh37 (hg19) VCF-style: chr22-29091174-T-G.
Other names: c.1445A>C, p.Gln482Pro (NM_001005735.3); c.653A>C, p.Gln218Pro (NM_001257387.3); c.1115A>C, p.Gln372Pro (NM_001349956.3); c.1229A>C, p.Gln410Pro (NM_145862.3); c.1316A>C (NM_007194.3); short protein forms Q372P, Q410P, Q439P, Q482P, Q218P.
Identifiers: ClinVar variation 2902767 (VCV002902767.4), dbSNP rs1467664274, ClinGen allele CA411095974.

ClinVar aggregate classification (germline): Uncertain significance. Review status: criteria provided, multiple submitters, no conflicts (2 of 4 stars). 2 submissions from 2 submitters: Uncertain significance (2). Last evaluated 2025-09-07.

Conditions:
Hereditary cancer-predisposing syndrome. Also called: Hereditary Cancer Syndrome; Hereditary neoplastic syndrome; Tumor predisposition; Neoplastic Syndromes, Hereditary. Identifiers: Orphanet 140162, MedGen C0027672, MeSH D009386, MONDO:0015356.
Familial cancer of breast. Also called: hereditary breast carcinoma; BREAST CANCER, FAMILIAL; Hereditary breast cancer. Identifiers: Orphanet 227535, MedGen C0346153, MONDO:0016419, OMIM 114480. Disease mechanism: loss of function.

Submissions (2):

Ambry Genetics
Classification: Uncertain significance for Hereditary cancer-predisposing syndrome. Last evaluated: 2025-09-07. Review status: criteria provided, single submitter. Criteria: Ambry Variant Classification Scheme 2023. Collection method: clinical testing. Allele origin: germline.
Comment: The p.Q439P variant (also known as c.1316A>C), located in coding exon 11 of the CHEK2 gene, results from an A to C substitution at nucleotide position 1316. The glutamine at codon 439 is replaced by proline, an amino acid with similar properties. This amino acid position is conserved. In addition, this alteration is predicted to be deleterious by in silico analysis. Based on the available evidence, the clinical significance of this variant remains unclear.

Labcorp Genetics (formerly Invitae), Labcorp
Classification: Uncertain significance for Familial cancer of breast. Last evaluated: 2024-01-28. Review status: criteria provided, single submitter. Criteria: Invitae Variant Classification Sherloc (09022015). Collection method: clinical testing. Allele origin: germline.
Comment: This sequence change replaces glutamine, which is neutral and polar, with proline, which is neutral and non-polar, at codon 439 of the CHEK2 protein (p.Gln439Pro). This variant is not present in population databases (gnomAD no frequency). This variant has not been reported in the literature in individuals affected with CHEK2-related conditions. An algorithm developed to predict the effect of missense changes on protein structure and function (PolyPhen-2) suggests that this variant is likely to be disruptive. In summary, the available evidence is currently insufficient to determine the role of this variant in disease. Therefore, it has been classified as a Variant of Uncertain Significance.